The following is an entry in ClinVar:

NM_000091.5(COL4A3):c.1367_1369del (p.Tyr456del)

Genes: COL4A3 (collagen type IV alpha 3 chain; plus strand), MFF-DT (MFF divergent transcript; minus strand). Cytogenetic location: 2q36.3.
Variant type: Deletion.
Coding change: c.1367_1369del on transcript NM_000091.5 (MANE Select); coding-DNA positions 1367 to 1369, 3 bases deleted (ATC; older notation c.1367_1369delATC).
Protein change: p.Tyr456del; deletes tyrosine 456.
Molecular consequence: inframe deletion.
Genome position (GRCh38, 1-based): chr2:227,266,468-227,266,470, ATC deleted. VCF-style (leftmost placement, unchanged base first): chr2-227266467-TATC-T. GRCh37 (hg19) VCF-style: chr2-228131183-TATC-T.
Other names: c.1367_1369delATC (NM_000091.4); short protein forms Y456del.
Identifiers: ClinVar variation 334760 (VCV000334760.18), dbSNP rs762420854, ClinGen allele CA2146630.

ClinVar aggregate classification (germline): Uncertain significance. Review status: criteria provided, multiple submitters, no conflicts (2 of 4 stars). 6 submissions from 6 submitters: Uncertain significance (5). 1 of the submissions does not count toward it. Last evaluated 2025-04-26.

Conditions:
Alport syndrome 3b, autosomal recessive. Identifiers: MedGen C5882699, MONDO:0957811, OMIM 620536.
Hematuria, benign familial, 2 (BFH2). Identifiers: MedGen C5830421, MONDO:0958186, OMIM 620320.
Autosomal dominant Alport syndrome (ATS3A). Also called: ALPORT SYNDROME 3A, AUTOSOMAL DOMINANT; Alport syndrome dominant type; Renal failure and sensorineural hearing loss. Identifiers: Orphanet 63, Orphanet 88918, MedGen C5882663, MONDO:0007086, OMIM 104200.
Alport syndrome. Also called: Hemorrhagic familial nephritis; Hemorrhagic hereditary nephritis; Congenital hereditary hematuria. Identifiers: Orphanet 63, MedGen C1567741, MONDO:0018965.
Benign familial hematuria. Also called: thin basement membrane disease. Identifiers: MedGen C0241908, MONDO:0957317.
Autosomal recessive Alport syndrome (ATS2). Also called: COL4A4 Alport Syndrome and Thin Basement Membrane Nephropathy; ALPORT SYNDROME 2, AUTOSOMAL RECESSIVE; COL4A3-Related Nephropathy; Alport syndrome type 2. Identifiers: Orphanet 63, Orphanet 88919, MedGen C4746745, MONDO:0008762, OMIM 203780.

Allele frequency attached by ClinVar (database versions not stated): gnomAD exomes below 0.00001 and 0.00002; ExAC 0.00001; gnomAD 0.00001; TOPMed 0.00001.

Submissions (6):

Labcorp Genetics (formerly Invitae), Labcorp
Classification: Uncertain significance. Last evaluated: 2025-04-26. Review status: criteria provided, single submitter. Criteria: Invitae Variant Classification Sherloc (09022015). Collection method: clinical testing. Allele origin: germline.
Comment: This variant, c.1367_1369del, results in the deletion of 1 amino acid(s) of the COL4A3 protein (p.Tyr456del), but otherwise preserves the integrity of the reading frame. This variant is present in population databases (rs762420854, gnomAD 0.01%). This variant has been observed in individuals with Alport syndrome (PMID: 31328266, 33772369). This variant is also known as p.Y456_L457delinsL. ClinVar contains an entry for this variant (Variation ID: 334760). In summary, the available evidence is currently insufficient to determine the role of this variant in disease. Therefore, it has been classified as a Variant of Uncertain Significance.

Blueprint Genetics
Classification: Uncertain significance. Last evaluated: 2024-02-23. Review status: criteria provided, single submitter. Criteria: ACMG Guidelines, 2015. Collection method: clinical testing. Allele origin: germline.

Women's Health and Genetics/Laboratory Corporation of America, LabCorp
Classification: Uncertain significance. Last evaluated: 2023-08-08. Review status: criteria provided, single submitter. Criteria: LabCorp Variant Classification Summary - May 2015. Collection method: clinical testing. Allele origin: germline.
Comment: Variant summary: COL4A3 c.1367_1369delATC (p.Tyr456del) results in an in-frame deletion that is predicted to remove one amino acid from the encoded protein within a collagen triple helix repeat (IPR008160). This deletion occurs within a Gly-X-Y repeat in the collagenous domain of the collagen IV alpha 3 chain, and most COL4A3 mutations in patients with Alport syndrome have been reported to reside in the collagenous domain (HGMD database). The variant allele was found at a frequency of 1.1e-05 in 358028 control chromosomes (i.e., 4 heterozygotes; gnomAD v2 Exomes dataset and jMorp database (Tadaka_2021)). c.1367_1369delATC has been reported in the literature in at least one heterozygote and 1 compound heterozygote affected with Alport Syndrome (e.g., Rao_2019, Zhang_2021). These data indicate that the variant may be associated with disease. To our knowledge, no experimental evidence demonstrating an impact on protein function has been reported. The following publications have been ascertained in the context of this evaluation (PMID: 33772369, 31328266, 33179747). Three submitters have reported clinical-significance assessments for this variant to ClinVar after 2014. All submitters classified the variant as uncertain significance. Based on the evidence outlined above, the variant was classified as VUS-possibly pathogenic.

Fulgent Genetics
Classification: Uncertain significance for Autosomal dominant Alport syndrome; Hematuria, benign familial, 1; Autosomal recessive Alport syndrome. Last evaluated: 2022-05-24. Review status: criteria provided, single submitter. Criteria: ACMG Guidelines, 2015. Collection method: clinical testing. Allele origin: unknown.

Juno Genomics, Hangzhou Juno Genomics, Inc
Classification: Uncertain significance for Autosomal dominant Alport syndrome; Alport syndrome 3b, autosomal recessive; Hematuria, benign familial, 2. Review status: criteria provided, single submitter. Criteria: ACMG Guidelines, 2015. Collection method: clinical testing. Allele origin: germline.
Comment: Absent from controls (or at extremely low frequency if recessive) in Genome Aggregation Database.;Protein length changes due to in-frame deletions/insertions in a non-repeat region or stop-loss variants.

Natera, Inc.
Classification: Uncertain significance for Alport syndrome. Last evaluated: 2020-03-13. Review status: no assertion criteria provided. Collection method: clinical testing. Allele origin: germline. Not counted in ClinVar's aggregate classification.

Literature cited by the submitters: PubMed 31328266 (cited by Labcorp Genetics (formerly Invitae), Labcorp and Women's Health and Genetics/Laboratory Corporation of America, LabCorp); PubMed 33772369 (cited by Labcorp Genetics (formerly Invitae), Labcorp and Women's Health and Genetics/Laboratory Corporation of America, LabCorp); PubMed 33179747 (cited by Women's Health and Genetics/Laboratory Corporation of America, LabCorp).